The following is an entry in ClinVar:

ClinVar aggregate classification (germline): Uncertain significance (1 of 4 stars; one submission).

gnomAD v4.1: 2 of 1,613,918 alleles (0.00012%); highest among the groups gnomAD compares: African/African-American, 0.0013%; no homozygotes.

Submission:

Labcorp Genetics (formerly Invitae), Labcorp
Classification: Uncertain significance. Last evaluated: 2025-08-28. Review status: criteria provided, single submitter. Criteria: Invitae Variant Classification Sherloc (09022015). Collection method: clinical testing. Allele origin: germline.
Comment: This sequence change replaces arginine, which is basic and polar, with leucine, which is neutral and non-polar, at codon 41 of the HJV protein (p.Arg41Leu). The frequency data for this variant in the population databases is considered unreliable, as metrics indicate poor data quality at this position in the gnomAD database. This variant has not been reported in the literature in individuals affected with HJV-related conditions. Invitae Evidence Modeling of protein sequence and biophysical properties (such as structural, functional, and spatial information, amino acid conservation, physicochemical variation, residue mobility, and thermodynamic stability) indicates that this missense variant is not expected to disrupt HJV protein function with a negative predictive value of 80%. In summary, the available evidence is currently insufficient to determine the role of this variant in disease. Therefore, it has been classified as a Variant of Uncertain Significance.

NM_213653.4(HJV):c.122G>T (p.Arg41Leu)

Gene: HJV (hemojuvelin BMP co-receptor; minus strand). Cytogenetic location: 1q21.1.
Variant type: single nucleotide variant.
Coding change: c.122G>T on transcript NM_213653.4 (MANE Select); coding-DNA position 122, G replaced by T.
Protein change: p.Arg41Leu; replaces arginine 41 with leucine.
Molecular consequence: missense variant. On other transcripts: 5 prime UTR variant (3), intron variant (1).
Genome position (GRCh38, 1-based): chr1:146,019,710, C>A on the plus strand (G>T on the coding strand, the complement: HJV is on the minus strand). VCF-style: chr1-146019710-C-A. GRCh37 (hg19) VCF-style: chr1-145415303-G-T.
Other names: c.-34G>T (NM_001316767.2, NM_202004.4); c.122G>T, p.Arg41Leu (NM_001379352.1); c.-218G>T (NM_145277.5); c.-21-1010G>T (NM_213652.4); short protein forms R41L.
Identifiers: ClinVar variation 4755048 (VCV004755048.1).